The following is an entry in ClinVar:

NM_001556.3(IKBKB):c.1948C>T (p.Arg650Trp)

Gene: IKBKB (inhibitor of nuclear factor kappa B kinase subunit beta; plus strand). Cytogenetic location: 8p11.21.
Variant type: single nucleotide variant.
Coding change: c.1948C>T on transcript NM_001556.3 (MANE Select); coding-DNA position 1948, C replaced by T.
Protein change: p.Arg650Trp; replaces arginine 650 with tryptophan.
Molecular consequence: missense variant. On other transcripts: non-coding transcript variant (3).
Genome position (GRCh38, 1-based): chr8:42,322,456, C>T. VCF-style: chr8-42322456-C-T. GRCh37 (hg19) VCF-style: chr8-42179974-C-T.
Other names: c.1756C>T, p.Arg586Trp (NM_001190720.3); c.1771C>T, p.Arg591Trp (NM_001242778.2); short protein forms R591W, R650W, R586W.
Identifiers: ClinVar variation 2097788 (VCV002097788.4), dbSNP rs2487740745, ClinGen allele CA371093382.
Genomic context (GRCh38, chr8:42,322,456, plus strand): 5'-GAAGAGGTGGTGAGCTTAATGAATGAGGATGAGAAGACTGTTGTCCGGCTGCAGGAGAAG[C>T]GGCAGAAGGAGCTCTGGAATCTCCTGAAGATTGCTTGTGTGAGTGAGTGCTGTGGTCCCG-3'
Protein context (NP_001547.1, residues 640-660): EKTVVRLQEK[Arg650Trp]QKELWNLLKI

ClinVar aggregate classification (germline): Uncertain significance (1 of 4 stars; one submission).

Conditions:
Severe combined immunodeficiency due to IKK2 deficiency. Also called: IMMUNODEFICIENCY 15B; Immunodeficiency 15. Identifiers: Orphanet 397787, MedGen C4747743, MONDO:0014267, OMIM 615592.

Submission:

Labcorp Genetics (formerly Invitae), Labcorp
Classification: Uncertain significance for Severe combined immunodeficiency due to IKK2 deficiency. Last evaluated: 2022-03-14. Review status: criteria provided, single submitter. Criteria: Invitae Variant Classification Sherloc (09022015). Collection method: clinical testing. Allele origin: germline.
Comment: This variant has not been reported in the literature in individuals affected with IKBKB-related conditions. In summary, the available evidence is currently insufficient to determine the role of this variant in disease. Therefore, it has been classified as a Variant of Uncertain Significance. Advanced modeling of protein sequence and biophysical properties (such as structural, functional, and spatial information, amino acid conservation, physicochemical variation, residue mobility, and thermodynamic stability) performed at Invitae indicates that this missense variant is not expected to disrupt IKBKB protein function. This variant is not present in population databases (gnomAD no frequency). This sequence change replaces arginine, which is basic and polar, with tryptophan, which is neutral and slightly polar, at codon 650 of the IKBKB protein (p.Arg650Trp).